The following is an entry in ClinVar:

ClinVar aggregate classification (germline): Uncertain significance (1 of 4 stars; one submission).

Conditions:
POLD1-related polyposis and colorectal cancer syndrome (CRCS10). Also called: Colorectal cancer 10; COLORECTAL CANCER, SUSCEPTIBILITY TO, ON CHROMOSOME 19q; Colorectal cancer, susceptibility to, 10. Identifiers: Orphanet 220460, MedGen C2675481, MONDO:0012953, OMIM 612591.

Submission:

Labcorp Genetics (formerly Invitae), Labcorp
Classification: Uncertain significance for POLD1-related polyposis and colorectal cancer syndrome. Last evaluated: 2021-09-02. Review status: criteria provided, single submitter. Criteria: Invitae Variant Classification Sherloc (09022015). Collection method: clinical testing. Allele origin: germline.
Comment: This sequence change replaces alanine with glycine at codon 270 of the POLD1 protein (p.Ala270Gly). The alanine residue is moderately conserved and there is a small physicochemical difference between alanine and glycine. This variant is not present in population databases (ExAC no frequency). This variant has not been reported in the literature in individuals affected with POLD1-related conditions. Algorithms developed to predict the effect of missense changes on protein structure and function are either unavailable or do not agree on the potential impact of this missense change (SIFT: "Tolerated"; PolyPhen-2: "Possibly Damaging"; Align-GVGD: "Class C0"). Algorithms developed to predict the effect of sequence changes on RNA splicing suggest that this variant may create or strengthen a splice site. In summary, the available evidence is currently insufficient to determine the role of this variant in disease. Therefore, it has been classified as a Variant of Uncertain Significance.

NM_002691.4(POLD1):c.809C>G (p.Ala270Gly)

Gene: POLD1 (DNA polymerase delta 1, catalytic subunit; plus strand). Cytogenetic location: 19q13.33.
Variant type: single nucleotide variant.
Coding change: c.809C>G on transcript NM_002691.4 (MANE Select); coding-DNA position 809, C replaced by G.
Protein change: p.Ala270Gly; replaces alanine 270 with glycine.
Molecular consequence: missense variant. On other transcripts: non-coding transcript variant (1).
Genome position (GRCh38, 1-based): chr19:50,402,504, C>G. VCF-style: chr19-50402504-C-G. GRCh37 (hg19) VCF-style: chr19-50905761-C-G.
Other names: c.809C>G, p.Ala270Gly (NM_001256849.1, NM_001308632.1); short protein forms A270G.
Identifiers: ClinVar variation 1428219 (VCV001428219.5), dbSNP rs2122250600, ClinGen allele CA406975007.